The following is an entry in ClinVar:

NM_000875.5(IGF1R):c.419C>T (p.Ala140Val)

Gene: IGF1R (insulin like growth factor 1 receptor; plus strand). Cytogenetic location: 15q26.3.
Variant type: single nucleotide variant.
Coding change: c.419C>T on transcript NM_000875.5 (MANE Select); coding-DNA position 419, C replaced by T.
Protein change: p.Ala140Val; replaces alanine 140 with valine.
Molecular consequence: missense variant.
Genome position (GRCh38, 1-based): chr15:98,707,886, C>T. VCF-style: chr15-98707886-C-T. GRCh37 (hg19) VCF-style: chr15-99251115-C-T.
Other names: c.419C>T, p.Ala140Val (NM_001291858.2); short protein forms A140V.
Identifiers: ClinVar variation 1303457 (VCV001303457.2), dbSNP rs926370406, ClinGen allele CA275819421.

ClinVar aggregate classification (germline): Uncertain significance (1 of 4 stars; one submission).

Allele frequency attached by ClinVar (database versions not stated): gnomAD 0.00001; TOPMed below 0.00001.
gnomAD v4.1: 2 of 1,613,936 alleles (0.00012%); highest among the groups gnomAD compares: Non-Finnish European, 0.00017%; no homozygotes.

Submission:

GeneDx
Classification: Uncertain significance. Last evaluated: 2019-09-29. Review status: criteria provided, single submitter. Criteria: GeneDx Variant Classification Process June 2021. Collection method: clinical testing. Allele origin: germline. Affected: yes.
Comment: Not observed in large population cohorts (Lek et al., 2016); In silico analysis, which includes protein predictors and evolutionary conservation, supports a deleterious effect; Has not been previously published as pathogenic or benign to our knowledge